The following is an entry in ClinVar:

NM_031443.4(CCM2):c.841C>T (p.Pro281Ser)

Gene: CCM2 (CCM2 scaffold protein; plus strand). Cytogenetic location: 7p13.
Variant type: single nucleotide variant.
Coding change: c.841C>T on transcript NM_031443.4 (MANE Select); coding-DNA position 841, C replaced by T.
Protein change: p.Pro281Ser; replaces proline 281 with serine.
Molecular consequence: missense variant. On other transcripts: non-coding transcript variant (1).
Genome position (GRCh38, 1-based): chr7:45,073,497, C>T. VCF-style: chr7-45073497-C-T. GRCh37 (hg19) VCF-style: chr7-45113096-C-T.
Other names: c.904C>T, p.Pro302Ser (NM_001029835.2); c.667C>T, p.Pro223Ser (NM_001167934.2); c.568C>T, p.Pro190Ser (NM_001167935.2); c.964C>T, p.Pro322Ser (NM_001363458.2); c.790C>T, p.Pro264Ser (NM_001363459.2); short protein forms P190S, P223S, P264S, P281S, P302S, P322S.
Identifiers: ClinVar variation 3342585 (VCV003342585.1).

ClinVar aggregate classification (germline): Uncertain significance (1 of 4 stars; one submission).

gnomAD v4.1: 2 of 1,613,266 alleles (0.00012%); highest among the groups gnomAD compares: Non-Finnish European, 0.00017%; no homozygotes.

Submission:

GeneDx
Classification: Uncertain significance. Last evaluated: 2023-10-19. Review status: criteria provided, single submitter. Criteria: GeneDx Variant Classification Process June 2021. Collection method: clinical testing. Allele origin: germline. Affected: yes.
Comment: Not observed at significant frequency in large population cohorts (gnomAD); In silico analysis supports that this missense variant does not alter protein structure/function; Has not been previously published as pathogenic or benign to our knowledge